The following is an entry in ClinVar:

ClinVar aggregate classification (germline): Benign/Likely benign. Review status: criteria provided, multiple submitters, no conflicts (2 of 4 stars). 2 submissions from 2 submitters: Benign (1); Likely benign (1). Last evaluated 2025-03-31.

Allele frequency attached by ClinVar (database versions not stated): TOPMed 0.00011; ESP Exome Variant Server 0.00023; 1000 Genomes Project 30x 0.00078; 1000 Genomes Project 0.00100; gnomAD exomes 0.00120 and 0.00304; ExAC 0.00257; gnomAD 0.00257 and 0.00271.
gnomAD v4.1: 2,155 of 1,612,294 alleles (0.13%); highest among the groups gnomAD compares: Non-Finnish European, 0.021%; 28 homozygotes.

Submissions (2):

Labcorp Genetics (formerly Invitae), Labcorp
Classification: Benign. Last evaluated: 2025-03-31. Review status: criteria provided, single submitter. Criteria: Invitae Variant Classification Sherloc (09022015). Collection method: clinical testing. Allele origin: germline.

GeneDx
Classification: Likely benign. Last evaluated: 2016-05-03. Review status: criteria provided, single submitter. Criteria: GeneDx Variant Classification (06012015). Collection method: clinical testing. Allele origin: germline. Affected: yes.
Comment: This variant is considered likely benign or benign based on one or more of the following criteria: it is a conservative change, it occurs at a poorly conserved position in the protein, it is predicted to be benign by multiple in silico algorithms, and/or has population frequency not consistent with disease.

NM_003366.4(UQCRC2):c.315A>T (p.Ala105=)

Genes: PDZD9 (PDZ domain containing 9), UQCRC2 (ubiquinol-cytochrome c reductase core protein 2). Cytogenetic location: 16p12.2.
Variant type: single nucleotide variant.
Coding change: c.315A>T on transcript NM_003366.4 (MANE Select); coding-DNA position 315, A replaced by T.
Protein change: p.Ala105=; no amino-acid change (alanine 105 retained).
Molecular consequence: synonymous variant.
Genome position (GRCh38, 1-based): chr16:21,958,582, A>T. VCF-style: chr16-21958582-A-T. GRCh37 (hg19) VCF-style: chr16-21969903-A-T.
Identifiers: ClinVar variation 385447 (VCV000385447.12), dbSNP rs143080682, ClinGen allele CA7953687.
Genomic context (GRCh38, chr16:21,958,582, plus strand): 5'-TTTCTTTTTCAAGACGACAAAAGGAGCTTCATCTTTCAAGATAACCCGTGGAATTGAAGC[A>T]GTTGGTGGCAAATTAAGGTTTGTTAAATAAGTAATAGAAAATAGTGAAAATGCCAGAAAA-3'
Protein context (NP_003357.2, residues 95-115): SSFKITRGIE[Ala105=]VGGKLSVTAT